The following is an entry in ClinVar:

NM_004415.4(DSP):c.7918_7919dup (p.Ile2641fs)

Gene: DSP (desmoplakin; plus strand). Cytogenetic location: 6p24.3.
Variant type: Duplication.
Coding change: c.7918_7919dup on transcript NM_004415.4 (MANE Select); coding-DNA positions 7918 to 7919, 2 bases duplicated (GG; older notation c.7918_7919dupGG).
Protein change: p.Ile2641fs; shifts the reading frame from isoleucine 2641.
Molecular consequence: frameshift variant.
Genome position (GRCh38, 1-based): chr6:7,585,180-7,585,181, GG duplicated; duplicating any 2 consecutive bases within chr6:7,585,178-7,585,181 gives the same sequence; the c. name uses the placement nearest the transcript's 3' end. VCF-style (leftmost placement, unchanged base first): chr6-7585177-C-CGG. GRCh37 (hg19) VCF-style: chr6-7585410-C-CGG.
Other names: c.6121_6122dup, p.Ile2042fs (NM_001008844.3); c.6589_6590dup, p.Ile2198fs (NM_001319034.2); c.7918_7919dupGG (NM_004415.2); short protein forms I2198fs, I2641fs, I2042fs.
Identifiers: ClinVar variation 922850 (VCV000922850.9), dbSNP rs1759606062, ClinGen allele CA1139659425.

ClinVar aggregate classification (germline): Pathogenic/Likely pathogenic. Review status: criteria provided, multiple submitters, no conflicts (2 of 4 stars). 3 submissions from 3 submitters: Pathogenic (2); Likely pathogenic (1). Last evaluated 2025-11-03.

Conditions:
Cardiomyopathy (CMYO). Also called: Cardiomyopathies. Identifiers: Orphanet 167848, MedGen C0878544, MONDO:0004994, HP:0001638. Inheritance: Various modes of inheritance.
Cardiovascular phenotype. Identifiers: MedGen CN230736.
Arrhythmogenic right ventricular dysplasia 8 (ARVD8). Also called: Arrhythmogenic Right Ventricular Dysplasia/Cardiomyopathy 8; ARRHYTHMOGENIC RIGHT VENTRICULAR DYSPLASIA, FAMILIAL, 8; ARRHYTHMOGENIC RIGHT VENTRICULAR CARDIOMYOPATHY 8. Identifiers: MedGen C1843896, MONDO:0011831, OMIM 607450.
Arrhythmogenic cardiomyopathy with wooly hair and keratoderma. Also called: PALMOPLANTAR KERATODERMA WITH LEFT VENTRICULAR CARDIOMYOPATHY AND WOOLLY HAIR; Carvajal syndrome; Dilated cardiomyopathy with woolly hair and keratoderma; Arrhythmogenic cardiomyopathy with woolly hair and keratoderma. Identifiers: Orphanet 65282, MedGen C1854063, MONDO:0011581, OMIM 605676.

Submissions (3):

Color Diagnostics, LLC DBA Color Health
Classification: Likely pathogenic for Cardiomyopathy. Last evaluated: 2025-11-03. Review status: criteria provided, single submitter. Criteria: ACMG Guidelines, 2015. Collection method: clinical testing. Allele origin: germline.
Comment: This variant causes a deletion of one nucleotide in the last exon of the DSP gene, creating a frameshift and premature translation stop signal. This variant alters the sequence of C-terminal plakin repeat domain C and is expected to disrupt DSP protein function (PMID: 12101406, 12802069, 21756917). To our knowledge, this variant has not been reported in individuals affected with DSP-related disorders in the literature. This variant has not been identified in the general population by the Genome Aggregation Database (gnomAD). Loss of DSP function is a known mechanism of disease. Based on the available evidence, this variant is classified as Likely Pathogenic.

Ambry Genetics
Classification: Pathogenic for Cardiovascular phenotype. Last evaluated: 2025-10-23. Review status: criteria provided, single submitter. Criteria: Ambry Variant Classification Scheme 2023. Collection method: clinical testing. Allele origin: germline.
Comment: The c.7918_7919dupGG (p.I2641Afs*40) alteration, located in exon 24 (coding exon 24) of the DSP gene, consists of a duplication of GG at position 7918, causing a translational frameshift with a predicted alternate stop codon after 40 amino acids. This variant is not expected to trigger nonsense-mediated mRNA decay, and impacts the last 8% of the protein. However, premature stop codons are typically deleterious in nature and a significant portion of the protein is affected (Ambry internal data). This variant was not reported in population-based cohorts in the Genome Aggregation Database (gnomAD). Based on the available evidence, this alteration is classified as pathogenic.

Labcorp Genetics (formerly Invitae), Labcorp
Classification: Pathogenic for Arrhythmogenic cardiomyopathy with wooly hair and keratoderma; Arrhythmogenic right ventricular dysplasia 8. Last evaluated: 2024-05-20. Review status: criteria provided, single submitter. Criteria: Invitae Variant Classification Sherloc (09022015). Collection method: clinical testing. Allele origin: germline.
Comment: This sequence change creates a premature translational stop signal (p.Ile2641Alafs*40) in the DSP gene. While this is not anticipated to result in nonsense mediated decay, it is expected to disrupt the last 231 amino acid(s) of the DSP protein. This variant is not present in population databases (gnomAD no frequency). This variant has not been reported in the literature in individuals affected with DSP-related conditions. ClinVar contains an entry for this variant (Variation ID: 922850). This variant disrupts a region of the DSP protein in which other variant(s) (p.Glu2728Glyfs*11) have been determined to be pathogenic (Invitae). This suggests that this is a clinically significant region of the protein, and that variants that disrupt it are likely to be disease-causing. For these reasons, this variant has been classified as Pathogenic.

Literature cited by the submitters: PubMed 12101406 (cited by Color Diagnostics, LLC DBA Color Health); PubMed 12802069 (cited by Color Diagnostics, LLC DBA Color Health); PubMed 21756917 (cited by Color Diagnostics, LLC DBA Color Health).